The following is an entry in ClinVar:

NM_001267550.2(TTN):c.68934dup (p.Ser22979fs)

Genes: TTN-AS1 (TTN antisense RNA 1; plus strand), TTN (titin; minus strand). Cytogenetic location: 2q31.2.
Variant type: Duplication.
Coding change: c.68934dup on transcript NM_001267550.2 (MANE Select); coding-DNA position 68934, one base duplicated (A; older notation c.68934dupA).
Protein change: p.Ser22979fs; shifts the reading frame from serine 22979.
Molecular consequence: frameshift variant.
Genome position (GRCh38, 1-based): chr2:178,577,401, T duplicated on the plus strand (A on the coding strand, the reverse complement: TTN is on the minus strand); the first of 4 consecutive T bases (chr2:178,577,401-178,577,404); duplicating any one gives the same sequence. VCF-style (leftmost placement, unchanged base first): chr2-178577400-A-AT. GRCh37 (hg19) VCF-style: chr2-179442127-A-AT.
Other names: c.64011dup, p.Ser21338fs (NM_001256850.1); c.41739dup, p.Ser13914fs (NM_003319.4); c.61230dup, p.Ser20411fs (NM_133378.4); c.42114dup, p.Ser14039fs (NM_133432.3); c.42315dup, p.Ser14106fs (NM_133437.4); short protein forms S14106fs, S21338fs, S14039fs, S13914fs, S20411fs, S22979fs.
Identifiers: ClinVar variation 2954302 (VCV002954302.3), dbSNP rs2046675157, ClinGen allele CA1310534030.

ClinVar aggregate classification (germline): Likely pathogenic (1 of 4 stars; one submission).

Conditions:
Autosomal recessive limb-girdle muscular dystrophy type 2J (LGMDR10). Also called: Limb-girdle muscular dystrophy, type 2J; MUSCULAR DYSTROPHY, LIMB-GIRDLE, AUTOSOMAL RECESSIVE 10. Identifiers: Orphanet 140922, MedGen C1837342, MONDO:0012127, OMIM 608807.
Dilated cardiomyopathy 1G (CMD1G). Identifiers: Orphanet 154, MedGen C1858763, MONDO:0011400, OMIM 604145.

Submission:

Labcorp Genetics (formerly Invitae), Labcorp
Classification: Likely pathogenic for Dilated cardiomyopathy 1G; Autosomal recessive limb-girdle muscular dystrophy type 2J. Last evaluated: 2023-11-29. Review status: criteria provided, single submitter. Criteria: Invitae Variant Classification Sherloc (09022015). Collection method: clinical testing. Allele origin: germline.
Comment: This sequence change creates a premature translational stop signal (p.Ser22979Ilefs*11) in the TTN gene. While this is not anticipated to result in nonsense mediated decay, it is expected to create a truncated TTN protein. This variant is not present in population databases (gnomAD no frequency). This variant has not been reported in the literature in individuals affected with TTN-related conditions. This variant is located in the A band of TTN (PMID: 25589632). Truncating variants in this region are significantly overrepresented in patients affected with dilated cardiomyopathy (PMID: 25589632). Truncating variants in this region have also been reported in individuals affected with autosomal recessive centronuclear myopathy (PMID: 23975875). In summary, the currently available evidence indicates that the variant is pathogenic, but additional data are needed to prove that conclusively. Therefore, this variant has been classified as Likely Pathogenic.

Literature cited by the submitters: PubMed 25589632; PubMed 23975875.